The following is an entry in ClinVar:

NM_017636.4(TRPM4):c.2612C>G (p.Ala871Gly)

Gene: TRPM4 (transient receptor potential cation channel subfamily M member 4; plus strand). Cytogenetic location: 19q13.33.
Variant type: single nucleotide variant.
Coding change: c.2612C>G on transcript NM_017636.4 (MANE Select); coding-DNA position 2612, C replaced by G.
Protein change: p.Ala871Gly; replaces alanine 871 with glycine.
Molecular consequence: missense variant. On other transcripts: intron variant (1).
Genome position (GRCh38, 1-based): chr19:49,196,841, C>G. VCF-style: chr19-49196841-C-G. GRCh37 (hg19) VCF-style: chr19-49700098-C-G.
Other names: c.2267C>G, p.Ala756Gly (NM_001321281.2); c.1004C>G, p.Ala335Gly (NM_001321282.2); c.2090C>G, p.Ala697Gly (NM_001321283.2); c.1550C>G, p.Ala517Gly (NM_001321285.2); c.2211-3459C>G (NM_001195227.2); short protein forms A697G, A335G, A517G, A756G, A871G.
Identifiers: ClinVar variation 1793813 (VCV001793813.2), dbSNP rs1968672635, ClinGen allele CA406809578.
Genomic context (GRCh38, chr19:49,196,841, plus strand): 5'-CACTGAGCCAGCGCCTGCGCCTCTACCTCGCCGACAGCTGGAACCAGTGCGACCTAGTGG[C>G]TCTCACCTGCTTCCTCCTGGGCGTGGGCTGCCGGTGAGTGCCCCGGGGCCTTGGAACCCT-3'
Protein context (NP_060106.2, residues 861-881): ADSWNQCDLV[Ala871Gly]LTCFLLGVGC

ClinVar aggregate classification (germline): Uncertain significance (1 of 4 stars; one submission).

Conditions:
Cardiovascular phenotype. Identifiers: MedGen CN230736.

Submission:

Ambry Genetics
Classification: Uncertain significance for Cardiovascular phenotype. Last evaluated: 2021-12-23. Review status: criteria provided, single submitter. Criteria: Ambry Variant Classification Scheme 2023. Collection method: clinical testing. Allele origin: germline.
Comment: The p.A871G variant (also known as c.2612C>G), located in coding exon 17 of the TRPM4 gene, results from a C to G substitution at nucleotide position 2612. The alanine at codon 871 is replaced by glycine, an amino acid with similar properties. This amino acid position is conserved. In addition, the in silico prediction for this alteration is inconclusive. Since supporting evidence is limited at this time, the clinical significance of this alteration remains unclear.